The following is an entry in ClinVar:

ClinVar aggregate classification (germline): Uncertain significance (1 of 4 stars; one submission).

Conditions:
Hereditary cancer-predisposing syndrome. Also called: Tumor predisposition; Neoplastic Syndromes, Hereditary; Hereditary neoplastic syndrome; Hereditary Cancer Syndrome. Identifiers: Orphanet 140162, MedGen C0027672, MeSH D009386, MONDO:0015356.

Submission:

Ambry Genetics
Classification: Uncertain significance for Hereditary cancer-predisposing syndrome. Last evaluated: 2025-08-27. Review status: criteria provided, single submitter. Criteria: Ambry Variant Classification Scheme 2023. Collection method: clinical testing. Allele origin: germline.
Comment: The p.D530E variant (also known as c.1590T>A), located in coding exon 16 of the MUTYH gene, results from a T to A substitution at nucleotide position 1590. The aspartic acid at codon 530 is replaced by glutamic acid, an amino acid with highly similar properties. This amino acid position is conserved. In addition, this alteration is predicted to be tolerated by in silico analysis. Based on the available evidence, the clinical significance of this variant remains unclear.

NM_001048174.2(MUTYH):c.1506T>A (p.Asp502Glu)

Gene: MUTYH (mutY DNA glycosylase; minus strand). Cytogenetic location: 1p34.1.
Variant type: single nucleotide variant.
Coding change: c.1506T>A on transcript NM_001048174.2 (MANE Select); coding-DNA position 1506, T replaced by A.
Protein change: p.Asp502Glu; replaces aspartic acid 502 with glutamic acid.
Molecular consequence: missense variant. On other transcripts: non-coding transcript variant (7).
Genome position (GRCh38, 1-based): chr1:45,329,366, A>T on the plus strand (T>A on the coding strand, the complement: MUTYH is on the minus strand). VCF-style: chr1-45329366-A-T. GRCh37 (hg19) VCF-style: chr1-45795038-A-T.
Other names: c.1506T>A, p.Asp502Glu (NM_001048171.2, NM_001048173.2, NM_001293195.2 and 6 more transcripts); c.1509T>A, p.Asp503Glu (NM_001048172.2, NM_001407071.1, NM_001407086.1 and 1 more transcripts); c.1590T>A, p.Asp530Glu (NM_001128425.2); c.1551T>A, p.Asp517Glu (NM_001293190.2); c.1539T>A, p.Asp513Glu (NM_001293191.2, NM_001407069.1, NM_001407077.1); c.1230T>A, p.Asp410Glu (NM_001293192.2, NM_001293196.2, NM_001407091.1); c.1161T>A, p.Asp387Glu (NM_001350650.2, NM_001350651.2, NM_001407082.1); c.1548T>A, p.Asp516Glu (NM_001407085.1, NM_001407083.1); and 5 more; short protein forms D387E, D509E, D513E, D527E, D489E, D503E, D517E, D410E.
Identifiers: ClinVar variation 4113403 (VCV004113403.1).